The following is an entry in ClinVar:

ClinVar aggregate classification (germline): Likely benign (1 of 4 stars; one submission).

gnomAD v4.1: 528 of 400,750 alleles (0.13%); highest among the groups gnomAD compares: African/African-American, 0.98%; 4 homozygotes.

Submission:

CeGaT Center for Human Genetics Tuebingen
Classification: Likely benign. Last evaluated: 2025-01-01. Review status: criteria provided, single submitter. Criteria: CeGaT Center For Human Genetics Tuebingen Variant Classification Criteria Version 2. Collection method: clinical testing. Allele origin: germline. Affected: yes. Observed: 1 variant allele.
Comment: LRRC53: BS2

NM_001382280.1(LRRC53):c.2722A>G (p.Met908Val)

Genes: TNNI3K (TNNI3 interacting kinase; plus strand), FPGT-TNNI3K (FPGT-TNNI3K readthrough; plus strand), LRRC53 (leucine rich repeat containing 53; minus strand). Cytogenetic location: 1p31.1.
Variant type: single nucleotide variant.
Coding change: c.2722A>G on transcript NM_001382280.1 (MANE Select); coding-DNA position 2722, A replaced by G.
Protein change: p.Met908Val; replaces methionine 908 with valine.
Molecular consequence: missense variant. On other transcripts: intron variant (2).
Genome position (GRCh38, 1-based): chr1:74,470,900, T>C on the plus strand (A>G on the coding strand, the complement: LRRC53 is on the minus strand). VCF-style: chr1-74470900-T-C. GRCh37 (hg19) VCF-style: chr1-74936584-T-C.
Other names: c.2626A>G, p.Met876Val (NM_001364666.2); c.2424+7350T>C (NM_001112808.3); c.2121+7350T>C (NM_015978.3); short protein forms M876V, M908V.
Identifiers: ClinVar variation 3771096 (VCV003771096.13).